The following is an entry in ClinVar:

ClinVar aggregate classification (germline): Benign. Review status: criteria provided, multiple submitters, no conflicts (2 of 4 stars). 2 submissions from 2 submitters: Benign (2). Last evaluated 2018-01-13.

Conditions:
Leber congenital amaurosis 12 (LCA12). Identifiers: Orphanet 65, MedGen C1857743, MONDO:0012525, OMIM 610612.

Allele frequency attached by ClinVar (database versions not stated): 1000 Genomes Project 0.12680; 1000 Genomes Project 30x 0.12883; TOPMed 0.15906; gnomAD 0.16517 and 0.16704; gnomAD exomes 0.19659.
gnomAD v4.1: 38,242 of 217,130 alleles (18%); highest among the groups gnomAD compares: South Asian, 24%; 4,051 homozygotes.

Submissions (2):

Illumina Laboratory Services, Illumina
Classification: Benign for Leber congenital amaurosis 12. Last evaluated: 2018-01-13. Review status: criteria provided, single submitter. Criteria: ICSL Variant Classification Criteria 13 December 2019. Collection method: clinical testing. Allele origin: germline.
Comment: This variant was observed in the ICSL laboratory as part of a predisposition screen in an ostensibly healthy population. It had not been previously curated by ICSL or reported in the Human Gene Mutation Database (HGMD: prior to June 1st, 2018), and was therefore a candidate for classification through an automated scoring system. Utilizing variant allele frequency, disease prevalence and penetrance estimates, and inheritance mode, an automated score was calculated to assess if this variant is too frequent to cause the disease. Based on the score and internal cut-off values, a variant classified as benign is not then subjected to further curation. The score for this variant resulted in a classification of benign for this disease.

Breakthrough Genomics
Classification: Benign. Review status: criteria provided, single submitter. Criteria: ACMG Guidelines, 2015. Collection method: not provided. Allele origin: germline. Inheritance: Autosomal recessive inheritance. Affected: yes.

NM_001164688.2(RD3):c.*471C>T

Gene: RD3 (RD3 regulator of GUCY2D; minus strand). Cytogenetic location: 1q32.3.
Variant type: single nucleotide variant.
Coding change: c.*471C>T on transcript NM_001164688.2 (MANE Select); 471 bases downstream of the stop codon, C replaced by T.
Molecular consequence: 3 prime UTR variant.
Genome position (GRCh38, 1-based): chr1:211,478,565, G>A on the plus strand (C>T on the coding strand, the complement: RD3 is on the minus strand). VCF-style: chr1-211478565-G-A. GRCh37 (hg19) VCF-style: chr1-211651907-G-A.
Other names: c.*471C>T (NM_183059.3).
Identifiers: ClinVar variation 295250 (VCV000295250.6), dbSNP rs34433079, ClinGen allele CA10609643.